The following is an entry in ClinVar:

NM_176822.4(NLRP14):c.573C>T (p.Thr191=)

Gene: NLRP14 (NLR family pyrin domain containing 14; plus strand). Cytogenetic location: 11p15.4.
Variant type: single nucleotide variant.
Coding change: c.573C>T on transcript NM_176822.4 (MANE Select); coding-DNA position 573, C replaced by T.
Protein change: p.Thr191=; no amino-acid change (threonine 191 retained).
Molecular consequence: synonymous variant.
Genome position (GRCh38, 1-based): chr11:7,042,599, C>T. VCF-style: chr11-7042599-C-T. GRCh37 (hg19) VCF-style: chr11-7063830-C-T.
Identifiers: ClinVar variation 3058966 (VCV003058966.2), dbSNP rs143266232, ClinGen allele CA5864614.

ClinVar aggregate classification (germline): Likely benign (0 of 4 stars; one submission).

Conditions:
NLRP14-related disorder. Also called: NLRP14-related condition.

Allele frequency attached by ClinVar (database versions not stated): gnomAD exomes 0.00003; ESP Exome Variant Server 0.00008; gnomAD 0.00008; TOPMed 0.00008; ExAC 0.00016; 1000 Genomes Project 30x 0.00031; 1000 Genomes Project 0.00040.
gnomAD v4.1: 74 of 1,614,222 alleles (0.0046%); highest among the groups gnomAD compares: East Asian, 0.11%; no homozygotes.

Submission:

PreventionGenetics, part of Exact Sciences
Classification: Likely benign for NLRP14-related condition. Last evaluated: 2019-04-16. Review status: no assertion criteria provided. Collection method: clinical testing. Allele origin: germline.
Comment: This variant is classified as likely benign based on ACMG/AMP sequence variant interpretation guidelines (Richards et al. 2015 PMID: 25741868, with internal and published modifications).